The following is an entry in ClinVar:

ClinVar aggregate classification (germline): Likely benign. Review status: criteria provided, multiple submitters, no conflicts (2 of 4 stars). 4 submissions from 4 submitters: Likely benign (3). 1 of the submissions does not count toward it. Last evaluated 2026-07-01.

Conditions:
FANCL-related disorder. Also called: FANCL-related condition.
Fanconi anemia (FA). Also called: Fanconi's anemia. Identifiers: Orphanet 84, MedGen C0015625, MeSH D005199, MONDO:0019391.

Allele frequency attached by ClinVar (database versions not stated): 1000 Genomes Project 30x 0.00016; 1000 Genomes Project 0.00020; gnomAD exomes 0.00021 and 0.00034; ExAC 0.00022; TOPMed 0.00024; ESP Exome Variant Server 0.00031; gnomAD 0.00031 and 0.00032.
gnomAD v4.1: 540 of 1,613,780 alleles (0.033%); highest among the groups gnomAD compares: Non-Finnish European, 0.043%; 1 homozygote.

Submissions (4):

CeGaT Center for Human Genetics Tuebingen
Classification: Likely benign. Last evaluated: 2026-07-01. Review status: criteria provided, single submitter. Criteria: CeGaT Center For Human Genetics Tuebingen Variant Classification Criteria Version 2. Collection method: clinical testing. Allele origin: germline. Affected: yes. Observed: 8 variant alleles.
Comment: FANCL: BP4, BP7

Labcorp Genetics (formerly Invitae), Labcorp
Classification: Likely benign for Fanconi anemia. Last evaluated: 2026-01-20. Review status: criteria provided, single submitter. Criteria: Invitae Variant Classification Sherloc (09022015). Collection method: clinical testing. Allele origin: germline.

Blueprint Genetics
Classification: Likely benign. Last evaluated: 2024-09-20. Review status: criteria provided, single submitter. Criteria: ACMG Guidelines, 2015. Collection method: clinical testing. Allele origin: germline.

PreventionGenetics, part of Exact Sciences
Classification: Likely benign for FANCL-related condition. Last evaluated: 2019-06-07. Review status: no assertion criteria provided. Collection method: clinical testing. Allele origin: germline. Not counted in ClinVar's aggregate classification.
Comment: This variant is classified as likely benign based on ACMG/AMP sequence variant interpretation guidelines (Richards et al. 2015 PMID: 25741868, with internal and published modifications).

NM_018062.4(FANCL):c.546C>T (p.Ser182=)

Gene: FANCL (FA complementation group L; minus strand). Cytogenetic location: 2p16.1.
Variant type: single nucleotide variant.
Coding change: c.546C>T on transcript NM_018062.4 (MANE Select); coding-DNA position 546, C replaced by T.
Protein change: p.Ser182=; no amino-acid change (serine 182 retained).
Molecular consequence: synonymous variant.
Genome position (GRCh38, 1-based): chr2:58,165,869, G>A on the plus strand (C>T on the coding strand, the complement: FANCL is on the minus strand). VCF-style: chr2-58165869-G-A. GRCh37 (hg19) VCF-style: chr2-58393004-G-A.
Other names: c.561C>T, p.Ser187= (NM_001114636.2); c.591C>T, p.Ser197= (NM_001374615.1); c.606C>T, p.Ser202= (NM_001410792.1).
Identifiers: ClinVar variation 699200 (VCV000699200.36), dbSNP rs200679501, ClinGen allele CA1670553.